The following is an entry in ClinVar:

ClinVar aggregate classification (germline): VUS-mid (1 of 4 stars; one submission).

Conditions:
Dilated cardiomyopathy 2A (CMD2A). Also called: CARDIOMYOPATHY, CONGESTIVE, AUTOSOMAL RECESSIVE; CARDIOMYOPATHY, DILATED, AUTOSOMAL RECESSIVE. Identifiers: Orphanet 154, MedGen C2678474, MONDO:0012746, OMIM 611880.

Submission:

Center for Molecular Medicine, Children’s Hospital of Fudan University
Classification: VUS-mid for Dilated cardiomyopathy 2A. Last evaluated: 2025-12-12. Review status: criteria provided, single submitter. Criteria: ACMG Guidelines 2015. Collection method: clinical testing. Allele origin: maternal. Affected: yes.
Comment: PVS1_M+PM2_PP

NM_000363.5(TNNI3):c.274G>T (p.Glu92Ter)

Gene: TNNI3 (troponin I3, cardiac type; minus strand). Cytogenetic location: 19q13.42.
Variant type: single nucleotide variant.
Coding change: c.274G>T on transcript NM_000363.5 (MANE Select); coding-DNA position 274, G replaced by T.
Protein change: p.Glu92Ter; replaces glutamic acid 92 with a stop codon.
Molecular consequence: nonsense.
Genome position (GRCh38, 1-based): chr19:55,156,209, C>A on the plus strand (G>T on the coding strand, the complement: TNNI3 is on the minus strand). VCF-style: chr19-55156209-C-A. GRCh37 (hg19) VCF-style: chr19-55667577-C-A.
Other names: short protein forms E92*.
Identifiers: ClinVar variation 5037768 (VCV005037768.1).